The following is an entry in ClinVar:

NM_017841.4(SDHAF2):c.71C>G (p.Pro24Arg)

Gene: SDHAF2 (succinate dehydrogenase complex assembly factor 2; plus strand). Cytogenetic location: 11q12.2.
Variant type: single nucleotide variant.
Coding change: c.71C>G on transcript NM_017841.4 (MANE Select); coding-DNA position 71, C replaced by G.
Protein change: p.Pro24Arg; replaces proline 24 with arginine.
Molecular consequence: missense variant.
Genome position (GRCh38, 1-based): chr11:61,437,659, C>G. VCF-style: chr11-61437659-C-G. GRCh37 (hg19) VCF-style: chr11-61205131-C-G.
Other names: short protein forms P24R.
Identifiers: ClinVar variation 5029250 (VCV005029250.1).

ClinVar aggregate classification (germline): Uncertain significance (1 of 4 stars; one submission).

Conditions:
Hereditary cancer-predisposing syndrome. Also called: Neoplastic Syndromes, Hereditary; Tumor predisposition; Hereditary neoplastic syndrome; Hereditary Cancer Syndrome. Identifiers: Orphanet 140162, MedGen C0027672, MeSH D009386, MONDO:0015356.

Submission:

Ambry Genetics
Classification: Uncertain significance for Hereditary cancer-predisposing syndrome. Last evaluated: 2026-08-29. Review status: criteria provided, single submitter. Criteria: Ambry Variant Classification Scheme 2023. Collection method: clinical testing. Allele origin: germline.
Comment: The p.P24R variant (also known as c.71C>G), located in coding exon 2 of the SDHAF2 gene, results from a C to G substitution at nucleotide position 71. The proline at codon 24 is replaced by arginine, an amino acid with dissimilar properties. This amino acid position is conserved. In addition, the in silico prediction for this alteration is inconclusive. Based on the available evidence, the clinical significance of this variant remains unclear.